The following is an entry in ClinVar:

NM_001171613.2(PREPL):c.539_540dup (p.Met181fs)

Gene: PREPL (prolyl endopeptidase like; minus strand). Cytogenetic location: 2p21.
Variant type: Duplication.
Coding change: c.539_540dup on transcript NM_001171613.2 (MANE Select); coding-DNA positions 539 to 540, 2 bases duplicated (TT; older notation c.539_540dupTT).
Protein change: p.Met181fs; shifts the reading frame from methionine 181.
Molecular consequence: frameshift variant.
Genome position (GRCh38, 1-based): chr2:44,339,309-44,339,310, AA duplicated on the plus strand (TT on the coding strand, the reverse complement: PREPL is on the minus strand). VCF-style (leftmost placement, unchanged base first): chr2-44339308-T-TAA. GRCh37 (hg19) VCF-style: chr2-44566447-T-TAA.
Other names: c.806_807dup, p.Met270fs (NM_001042385.2, NM_001042386.2, NM_001171603.1 and 4 more transcripts); c.539_540dup, p.Met181fs (NM_001171617.1, NM_001374277.1); c.806_807dupTT (NM_006036.4); short protein forms M270fs, M181fs.
Identifiers: ClinVar variation 2635506 (VCV002635506.1), dbSNP rs1057523690, ClinGen allele CA2494231220.

ClinVar aggregate classification (germline): Likely pathogenic (1 of 4 stars; one submission).

Conditions:
PREPL-related disorder. Also called: PREPL-related condition.

Submission:

PreventionGenetics, part of Exact Sciences
Classification: Likely pathogenic for PREPL-related condition. Last evaluated: 2023-01-02. Review status: criteria provided, single submitter. Criteria: ACMG Guidelines, 2015. Collection method: clinical testing. Allele origin: germline.
Comment: The PREPL c.806_807dupTT variant is predicted to result in a frameshift and premature protein termination (p.Met270Leufs*2). To our knowledge, this variant has not been reported in the literature or in a large population database, indicating this variant is rare. Frameshift variants in PREPL are expected to be pathogenic. This variant is interpreted as likely pathogenic.